The following is an entry in ClinVar:

ClinVar aggregate classification (germline): Uncertain significance. Review status: criteria provided, multiple submitters, no conflicts (2 of 4 stars). 2 submissions from 2 submitters: Uncertain significance (2). Last evaluated 2025-02-28.

Conditions:
Hypertrophic cardiomyopathy. Also called: HYPERTROPHIC MYOCARDIOPATHY. Identifiers: Orphanet 217569, MedGen C0007194, MeSH D002312, MONDO:0005045, HP:0001639.

Submissions (2):

Labcorp Genetics (formerly Invitae), Labcorp
Classification: Uncertain significance for Hypertrophic cardiomyopathy. Last evaluated: 2025-02-28. Review status: criteria provided, single submitter. Criteria: Invitae Variant Classification Sherloc (09022015). Collection method: clinical testing. Allele origin: germline.
Comment: This sequence change replaces glycine, which is neutral and non-polar, with valine, which is neutral and non-polar, at codon 126 of the TPM1 protein (p.Gly126Val). This variant is not present in population databases (gnomAD no frequency). This variant has not been reported in the literature in individuals affected with TPM1-related conditions. ClinVar contains an entry for this variant (Variation ID: 578098). An algorithm developed to predict the effect of missense changes on protein structure and function (PolyPhen-2) suggests that this variant is likely to be disruptive. In summary, the available evidence is currently insufficient to determine the role of this variant in disease. Therefore, it has been classified as a Variant of Uncertain Significance.

Molecular Genetics, Royal Melbourne Hospital
Classification: Uncertain significance for Hypertrophic cardiomyopathy. Last evaluated: 2023-07-07. Review status: criteria provided, single submitter. Criteria: ACMG Guidelines, 2015. Collection method: clinical testing. Allele origin: germline. Inheritance: Autosomal dominant inheritance. Affected: yes.
Comment: This sequence change in TPM1 is predicted to replace glycine with valine at codon 126, p.(Gly126Val). The glycine residue is highly conserved (100 vertebrates, UCSC), and alters a residue critical for protein function located in the tropomyosin coiled-coil region (PMID: 24548721, 21454502). There is a large physicochemical difference between glycine and valine. This variant is absent from the population database gnomAD v2.1 and v3.1. This variant has been identified in at least three unrelated probands with hypertrophic cardiomyopathy (Royal Melbourne Hospital; Invitae). Computational evidence predicts a deleterious effect for the missense substitution (REVEL = 0.768). Based on the classification scheme RMH Modified ACMG/AMP Guidelines v1.6.1, this variant is classified as a VARIANT OF UNCERTAIN SIGNIFICANCE. Following criteria are met: PM1, PM2_Supporting, PP3, PS4_Supporting

Literature cited by the submitters: PubMed 21454502 (cited by Molecular Genetics, Royal Melbourne Hospital); PubMed 24548721 (cited by Molecular Genetics, Royal Melbourne Hospital).

NM_001018005.2(TPM1):c.377G>T (p.Gly126Val)

Gene: TPM1 (tropomyosin 1; plus strand). Cytogenetic location: 15q22.2.
Variant type: single nucleotide variant.
Coding change: c.377G>T on transcript NM_001018005.2 (MANE Select); coding-DNA position 377, G replaced by T.
Protein change: p.Gly126Val; replaces glycine 126 with valine.
Molecular consequence: missense variant.
Genome position (GRCh38, 1-based): chr15:63,059,565, G>T. VCF-style: chr15-63059565-G-T. GRCh37 (hg19) VCF-style: chr15-63351764-G-T.
Other names: c.377G>T, p.Gly126Val (NM_000366.6, NM_001018004.2, NM_001018006.2 and 6 more transcripts); c.269G>T, p.Gly90Val (NM_001018008.2, NM_001301289.2, NM_001330344.2 and 5 more transcripts); c.503G>T, p.Gly168Val (NM_001365778.1); short protein forms G126V, G90V, G168V.
Identifiers: ClinVar variation 578098 (VCV000578098.9), dbSNP rs1566962034, ClinGen allele CA392721944.